The following is an entry in ClinVar:

NM_000138.5(FBN1):c.2416G>A (p.Glu806Lys)

Gene: FBN1 (fibrillin 1; minus strand). Cytogenetic location: 15q21.1.
Variant type: single nucleotide variant.
Coding change: c.2416G>A on transcript NM_000138.5 (MANE Select); coding-DNA position 2416, G replaced by A.
Protein change: p.Glu806Lys; replaces glutamic acid 806 with lysine.
Molecular consequence: missense variant.
Genome position (GRCh38, 1-based): chr15:48,496,103, C>T on the plus strand (G>A on the coding strand, the complement: FBN1 is on the minus strand). VCF-style: chr15-48496103-C-T. GRCh37 (hg19) VCF-style: chr15-48788300-C-T.
Other names: short protein forms E806K.
Identifiers: ClinVar variation 457172 (VCV000457172.11), dbSNP rs1555399258, ClinGen allele CA392335081.

ClinVar aggregate classification (germline): Uncertain significance (1 of 4 stars; one submission).

Conditions:
Marfan syndrome (MFS). Also called: MARFAN SYNDROME, TYPE I; FBN1-Related Marfan Syndrome; Marfan syndrome type 1; Marfan's syndrome; Marfan syndrome, classic. Identifiers: Orphanet 284963, Orphanet 558, MedGen C0024796, MONDO:0007947, OMIM 154700.
Familial thoracic aortic aneurysm and aortic dissection (TAAD). Also called: Thoracic aortic aneurysms and dissections. Identifiers: Orphanet 91387, MedGen C4707243, MONDO:0019625.

Submission:

Labcorp Genetics (formerly Invitae), Labcorp
Classification: Uncertain significance for Marfan syndrome; Familial thoracic aortic aneurysm and aortic dissection. Last evaluated: 2019-04-09. Review status: criteria provided, single submitter. Criteria: Invitae Variant Classification Sherloc (09022015). Collection method: clinical testing. Allele origin: germline.
Comment: This sequence change replaces glutamic acid with lysine at codon 806 of the FBN1 protein (p.Glu806Lys). The glutamic acid residue is highly conserved and there is a small physicochemical difference between glutamic acid and lysine. This variant is not present in population databases (ExAC no frequency). This variant has not been reported in the literature in individuals with a FBN1-related disease. Algorithms developed to predict the effect of missense changes on protein structure and function do not agree on the potential impact of this missense change (SIFT: "Tolerated"; PolyPhen-2: "Probably Damaging"; Align-GVGD: "Class C0"). In summary, this variant has uncertain impact on FBN1 function. The available evidence is currently insufficient to determine its role in disease. Therefore, it has been classified as a Variant of Uncertain Significance.